The following is an entry in ClinVar:

ClinVar aggregate classification (germline): Likely benign (1 of 4 stars; one submission).

Conditions:
ORAI1-related disorder. Also called: ORAI1-related condition.

Allele frequency attached by ClinVar (database versions not stated): gnomAD exomes below 0.00001.

Submission:

PreventionGenetics, part of Exact Sciences
Classification: Likely benign for ORAI1-related condition. Last evaluated: 2021-02-01. Review status: criteria provided, single submitter. Criteria: ACMG Guidelines, 2015. Collection method: clinical testing. Allele origin: germline.
Comment: This variant is classified as likely benign based on ACMG/AMP sequence variant interpretation guidelines (Richards et al. 2015 PMID: 25741868, with internal and published modifications).

NM_032790.4(ORAI1):c.768C>T (p.His256=)

Gene: ORAI1 (ORAI calcium release-activated calcium modulator 1; plus strand). Cytogenetic location: 12q24.31.
Variant type: single nucleotide variant.
Coding change: c.768C>T on transcript NM_032790.4 (MANE Select); coding-DNA position 768, C replaced by T.
Protein change: p.His256=; no amino-acid change (histidine 256 retained).
Molecular consequence: synonymous variant. On other transcripts: non-coding transcript variant (1).
Genome position (GRCh38, 1-based): chr12:121,641,505, C>T. VCF-style: chr12-121641505-C-T. GRCh37 (hg19) VCF-style: chr12-122079411-C-T.
Identifiers: ClinVar variation 3030900 (VCV003030900.1), dbSNP rs1224734343, ClinGen allele CA482432993.